The following is an entry in ClinVar:

ClinVar aggregate classification (germline): Uncertain significance. Review status: criteria provided, multiple submitters, no conflicts (2 of 4 stars). 2 submissions from 2 submitters: Uncertain significance (2). Last evaluated 2022-05-20.

Conditions:
Developmental delay and seizures with or without movement abnormalities. Identifiers: MedGen C4693376, MONDO:0044326, OMIM 617836.
Retinitis pigmentosa 59 (RP59). Identifiers: Orphanet 791, MedGen C3151227, MONDO:0013468, OMIM 613861.

Allele frequency attached by ClinVar (database versions not stated): gnomAD exomes below 0.00001; ExAC 0.00001; gnomAD 0.00001; 1000 Genomes Project 0.00020; 1000 Genomes Project 30x 0.00031.
gnomAD v4.1: 1 of 1,614,166 alleles (0.000062%); highest among the groups gnomAD compares: East Asian, 0.0022%; no homozygotes.

Submissions (2):

Labcorp Genetics (formerly Invitae), Labcorp
Classification: Uncertain significance for Retinitis pigmentosa 59. Last evaluated: 2022-05-20. Review status: criteria provided, single submitter. Criteria: Invitae Variant Classification Sherloc (09022015). Collection method: clinical testing. Allele origin: germline.
Comment: This sequence change replaces aspartic acid, which is acidic and polar, with tyrosine, which is neutral and polar, at codon 274 of the DHDDS protein (p.Asp274Tyr). This variant is not present in population databases (gnomAD no frequency). This variant has not been reported in the literature in individuals affected with DHDDS-related conditions. ClinVar contains an entry for this variant (Variation ID: 983319). Algorithms developed to predict the effect of missense changes on protein structure and function are either unavailable or do not agree on the potential impact of this missense change (SIFT: "Tolerated"; PolyPhen-2: "Probably Damaging"; Align-GVGD: "Class C0"). Algorithms developed to predict the effect of sequence changes on RNA splicing suggest that this variant may create or strengthen a splice site. In summary, the available evidence is currently insufficient to determine the role of this variant in disease. Therefore, it has been classified as a Variant of Uncertain Significance.

New York Genome Center
Classification: Uncertain significance for Developmental delay and seizures with or without movement abnormalities. Last evaluated: 2020-01-28. Review status: criteria provided, single submitter. Criteria: NYGC Assertion Criteria 2020. Collection method: clinical testing. Allele origin: germline. Observed: 1 heterozygote. Study: CSER-NYCKidSeq.
Comment: The c.820G>T (p.Asp274Tyr) identified in the DHDDS gene substitutes a well conserved Aspartic Acid for Tyrosine at amino acid 274/335(coding exon 9/9). This variant is found with low frequency in gnomAD (1 heterozygote, 0 homozygotes; allele frequency: 3.99e-6) suggesting it is not a common benign variant in the populations represented in this database. In silico algorithms predict this variant to be Deleterious (Provean; score: -3.90) and Damaging (SIFT; score: 0.003) to the function of the canonical transcript. This variant is absent from ClinVar and to our current knowledge has not been reported in affected individuals in the literature. This variant is not present in a mapped domain of DHDDS (UniProtKB:Q86SQ9), however few individuals have been reported with DHDDS associated seizure phenotypes and thus the full extent of genotype-phenotype correlation is uncertain. Given the lack of compelling evidence for its pathogenicity, the c.820G>T (p.Asp274Tyr) variant identified in the DHDDS gene is reported here as a Variant of Uncertain Significance.

NM_205861.3(DHDDS):c.817G>T (p.Asp273Tyr)

Gene: DHDDS (dehydrodolichyl diphosphate synthase subunit; plus strand). Cytogenetic location: 1p36.11.
Variant type: single nucleotide variant.
Coding change: c.817G>T on transcript NM_205861.3 (MANE Select); coding-DNA position 817, G replaced by T.
Protein change: p.Asp273Tyr; replaces aspartic acid 273 with tyrosine.
Molecular consequence: missense variant.
Genome position (GRCh38, 1-based): chr1:26,468,946, G>T. VCF-style: chr1-26468946-G-T. GRCh37 (hg19) VCF-style: chr1-26795437-G-T.
Other names: c.715G>T, p.Asp239Tyr (NM_001243564.2); c.700G>T, p.Asp234Tyr (NM_001243565.2); c.538G>T, p.Asp180Tyr (NM_001319959.2); c.820G>T, p.Asp274Tyr (NM_024887.4); short protein forms D180Y, D234Y, D239Y, D273Y, D274Y.
Identifiers: ClinVar variation 983319 (VCV000983319.4), dbSNP rs182263884, ClinGen allele CA705469.
Genomic context (GRCh38, chr1:26,468,946, plus strand): 5'-CTCTAGCAGAAGGCCCGAGACATGTATGCAGAGGAGCGGAAGAGGCAGCAGCTGGAGAGG[G>T]ACCAGGCTACAGTGACAGAGCAGCTGCTGCGAGAGGGGCTCCAAGCCAGTGGGGACGCCC-3'
Protein context (NP_995583.1, residues 263-283): EERKRQQLER[Asp273Tyr]QATVTEQLLR